The following is an entry in ClinVar:

NM_007327.4(GRIN1):c.1342C>G (p.Arg448Gly)

Gene: GRIN1 (glutamate ionotropic receptor NMDA type subunit 1; plus strand). Cytogenetic location: 9q34.3.
Variant type: single nucleotide variant.
Coding change: c.1342C>G on transcript NM_007327.4 (MANE Select); coding-DNA position 1342, C replaced by G.
Protein change: p.Arg448Gly; replaces arginine 448 with glycine.
Molecular consequence: missense variant.
Genome position (GRCh38, 1-based): chr9:137,161,291, C>G. VCF-style: chr9-137161291-C-G. GRCh37 (hg19) VCF-style: chr9-140055743-C-G.
Other names: c.1342C>G, p.Arg448Gly (NM_000832.7, NM_021569.4); c.1405C>G, p.Arg469Gly (NM_001185090.2, NM_001185091.2); short protein forms R448G, R469G.
Identifiers: ClinVar variation 2413334 (VCV002413334.8), dbSNP rs1365275935, ClinGen allele CA375716387.
Genomic context (GRCh38, chr9:137,161,291, plus strand): 5'-CAGGGCGCGGGGCGTGGGGCGGTCTGGAGCCCAGCAGTTACCGCCCGCACCTACCCAGCC[C>G]GCCACACGGTGCCTCAGTGTTGCTACGGCTTTTGCATCGACCTGCTCATCAAGCTGGCAC-3'
Protein context (NP_015566.1, residues 438-458): GPNDTSPGSP[Arg448Gly]HTVPQCCYGF

ClinVar aggregate classification (germline): Uncertain significance (1 of 4 stars; one submission).

Conditions:
Neurodevelopmental disorder with or without hyperkinetic movements and seizures, autosomal dominant. Also called: Intellectual disability, autosomal dominant 8. Identifiers: MedGen C3280282, MONDO:0013655, OMIM 614254.

Submission:

Labcorp Genetics (formerly Invitae), Labcorp
Classification: Uncertain significance for Neurodevelopmental disorder with or without hyperkinetic movements and seizures, autosomal dominant. Last evaluated: 2022-06-14. Review status: criteria provided, single submitter. Criteria: Invitae Variant Classification Sherloc (09022015). Collection method: clinical testing. Allele origin: germline.
Comment: This sequence change replaces arginine, which is basic and polar, with glycine, which is neutral and non-polar, at codon 448 of the GRIN1 protein (p.Arg448Gly). This variant is not present in population databases (gnomAD no frequency). In summary, the available evidence is currently insufficient to determine the role of this variant in disease. Therefore, it has been classified as a Variant of Uncertain Significance. Algorithms developed to predict the effect of missense changes on protein structure and function are either unavailable or do not agree on the potential impact of this missense change (SIFT: "Deleterious"; PolyPhen-2: "Benign"; Align-GVGD: "Class C0"). This variant has not been reported in the literature in individuals affected with GRIN1-related conditions.